The following is an entry in ClinVar:

NM_001369369.1(FOXN1):c.554C>G (p.Pro185Arg)

Gene: FOXN1 (forkhead box N1; plus strand). Cytogenetic location: 17q11.2.
Variant type: single nucleotide variant.
Coding change: c.554C>G on transcript NM_001369369.1 (MANE Select); coding-DNA position 554, C replaced by G.
Protein change: p.Pro185Arg; replaces proline 185 with arginine.
Molecular consequence: missense variant.
Genome position (GRCh38, 1-based): chr17:28,524,933, C>G. VCF-style: chr17-28524933-C-G. GRCh37 (hg19) VCF-style: chr17-26851951-C-G.
Other names: c.554C>G, p.Pro185Arg (NM_003593.3); short protein forms P185R.
Identifiers: ClinVar variation 1997095 (VCV001997095.4), dbSNP rs757704079, ClinGen allele CA398322035.

ClinVar aggregate classification (germline): Uncertain significance (1 of 4 stars; one submission).

Conditions:
T-cell immunodeficiency, congenital alopecia, and nail dystrophy. Also called: Congenital alopecia and nail dystrophy associated with severe functional T-cell immunodeficiency; Pignata Guarino syndrome. Identifiers: Orphanet 169095, MedGen C1866426, MONDO:0011132, OMIM 601705.

Allele frequency attached by ClinVar (database versions not stated): gnomAD 0.00001.
gnomAD v4.1: 2 of 1,612,102 alleles (0.00012%); highest among the groups gnomAD compares: African/African-American, 0.0027%; no homozygotes.

Submission:

Labcorp Genetics (formerly Invitae), Labcorp
Classification: Uncertain significance for T-cell immunodeficiency, congenital alopecia, and nail dystrophy. Last evaluated: 2022-05-24. Review status: criteria provided, single submitter. Criteria: Invitae Variant Classification Sherloc (09022015). Collection method: clinical testing. Allele origin: germline.
Comment: In summary, the available evidence is currently insufficient to determine the role of this variant in disease. Therefore, it has been classified as a Variant of Uncertain Significance. Algorithms developed to predict the effect of missense changes on protein structure and function (SIFT, PolyPhen-2, Align-GVGD) all suggest that this variant is likely to be tolerated. This variant has not been reported in the literature in individuals affected with FOXN1-related conditions. This variant is not present in population databases (gnomAD no frequency). This sequence change replaces proline, which is neutral and non-polar, with arginine, which is basic and polar, at codon 185 of the FOXN1 protein (p.Pro185Arg).